The following is an entry in ClinVar:

ClinVar aggregate classification (germline): Uncertain significance. Review status: criteria provided, multiple submitters, no conflicts (2 of 4 stars). 3 submissions from 3 submitters: Uncertain significance (3). Last evaluated 2024-05-14.

Conditions:
Neurodevelopmental disorder and structural brain anomalies with or without seizures and spasticity. Identifiers: MedGen C5394423, MONDO:0030046, OMIM 618890.
Inborn genetic diseases. Identifiers: MedGen C0950123, MeSH D030342.

Allele frequency attached by ClinVar (database versions not stated): gnomAD 0.00003; TOPMed 0.00003; ExAC 0.00004; gnomAD exomes 0.00006.

Submissions (3):

Ambry Genetics
Classification: Uncertain significance for Inborn genetic diseases. Last evaluated: 2024-05-14. Review status: criteria provided, single submitter. Criteria: Ambry Variant Classification Scheme 2023. Collection method: clinical testing. Allele origin: germline.

Blueprint Genetics
Classification: Uncertain significance. Last evaluated: 2024-03-15. Review status: criteria provided, single submitter. Criteria: ACMG Guidelines, 2015. Collection method: clinical testing. Allele origin: germline.

Labcorp Genetics (formerly Invitae), Labcorp
Classification: Uncertain significance. Last evaluated: 2022-09-22. Review status: criteria provided, single submitter. Criteria: Invitae Variant Classification Sherloc (09022015). Collection method: clinical testing. Allele origin: germline.
Comment: This sequence change replaces threonine, which is neutral and polar, with methionine, which is neutral and non-polar, at codon 693 of the PTPN23 protein (p.Thr693Met). This variant is present in population databases (rs761812727, gnomAD 0.02%). This variant has not been reported in the literature in individuals affected with PTPN23-related conditions. ClinVar contains an entry for this variant (Variation ID: 1501589). Algorithms developed to predict the effect of missense changes on protein structure and function are either unavailable or do not agree on the potential impact of this missense change (SIFT: "Tolerated"; PolyPhen-2: "Not Available"; Align-GVGD: "Class C0"). In summary, the available evidence is currently insufficient to determine the role of this variant in disease. Therefore, it has been classified as a Variant of Uncertain Significance.

NM_015466.4(PTPN23):c.2078C>T (p.Thr693Met)

Gene: PTPN23 (protein tyrosine phosphatase non-receptor type 23; plus strand). Cytogenetic location: 3p21.31.
Variant type: single nucleotide variant.
Coding change: c.2078C>T on transcript NM_015466.4 (MANE Select); coding-DNA position 2078, C replaced by T.
Protein change: p.Thr693Met; replaces threonine 693 with methionine.
Molecular consequence: missense variant.
Genome position (GRCh38, 1-based): chr3:47,409,783, C>T. VCF-style: chr3-47409783-C-T. GRCh37 (hg19) VCF-style: chr3-47451273-C-T.
Other names: c.2078C>T (NM_015466.3, NM_015466.2); c.1700C>T, p.Thr567Met (NM_001304482.2); short protein forms T567M, T693M.
Identifiers: ClinVar variation 1501589 (VCV001501589.6), dbSNP rs761812727, ClinGen allele CA2365907.